The following is an entry in ClinVar:

NM_022168.4(IFIH1):c.328G>C (p.Ala110Pro)

Gene: IFIH1 (interferon induced with helicase C domain 1; minus strand). Cytogenetic location: 2q24.2.
Variant type: single nucleotide variant.
Coding change: c.328G>C on transcript NM_022168.4 (MANE Select); coding-DNA position 328, G replaced by C.
Protein change: p.Ala110Pro; replaces alanine 110 with proline.
Molecular consequence: missense variant.
Genome position (GRCh38, 1-based): chr2:162,317,980, C>G on the plus strand (G>C on the coding strand, the complement: IFIH1 is on the minus strand). VCF-style: chr2-162317980-C-G. GRCh37 (hg19) VCF-style: chr2-163174490-C-G.
Other names: c.328G>C (NM_022168.2); short protein forms A110P.
Identifiers: ClinVar variation 1464979 (VCV001464979.9), dbSNP rs1475589306, ClinGen allele CA349013602.

ClinVar aggregate classification (germline): Uncertain significance. Review status: criteria provided, multiple submitters, no conflicts (2 of 4 stars). 2 submissions from 2 submitters: Uncertain significance (2). Last evaluated 2024-02-13.

Conditions:
Inborn genetic diseases. Identifiers: MedGen C0950123, MeSH D030342.
Aicardi-Goutieres syndrome 7 (AGS7). Identifiers: Orphanet 51, MedGen C3888244, MONDO:0014367, OMIM 615846.
Singleton-Merten syndrome 1 (SGMRT1). Also called: Syndrome of widened medullary cavities of the metacarpals and phalanges, aortic calcification and abnormal dentition; Widened medullary cavities of bone, aortic calcification, abnormal dentition, and muscular weakness. Identifiers: Orphanet 85191, MedGen C4225427, MONDO:0024535, OMIM 182250.

Allele frequency attached by ClinVar (database versions not stated): TOPMed below 0.00001; gnomAD 0.00001.

Submissions (2):

Ambry Genetics
Classification: Uncertain significance for Inborn genetic diseases. Last evaluated: 2024-02-13. Review status: criteria provided, single submitter. Criteria: Ambry Variant Classification Scheme 2023. Collection method: clinical testing. Allele origin: germline.

Labcorp Genetics (formerly Invitae), Labcorp
Classification: Uncertain significance for Aicardi-Goutieres syndrome 7; Singleton-Merten syndrome 1. Last evaluated: 2024-02-05. Review status: criteria provided, single submitter. Criteria: Invitae Variant Classification Sherloc (09022015). Collection method: clinical testing. Allele origin: germline.
Comment: This sequence change replaces alanine, which is neutral and non-polar, with proline, which is neutral and non-polar, at codon 110 of the IFIH1 protein (p.Ala110Pro). This variant is not present in population databases (gnomAD no frequency). This variant has not been reported in the literature in individuals affected with IFIH1-related conditions. ClinVar contains an entry for this variant (Variation ID: 1464979). Advanced modeling of protein sequence and biophysical properties (such as structural, functional, and spatial information, amino acid conservation, physicochemical variation, residue mobility, and thermodynamic stability) has been performed at Invitae for this missense variant, however the output from this modeling did not meet the statistical confidence thresholds required to predict the impact of this variant on IFIH1 protein function. In summary, the available evidence is currently insufficient to determine the role of this variant in disease. Therefore, it has been classified as a Variant of Uncertain Significance.